The following is an entry in ClinVar:

ClinVar aggregate classification (germline): Benign. Review status: criteria provided, multiple submitters, no conflicts (2 of 4 stars). 3 submissions from 3 submitters: Benign (3). Last evaluated 2026-01-27.

Allele frequency attached by ClinVar (database versions not stated): ESP Exome Variant Server 0.00862; 1000 Genomes Project 0.01033; 1000 Genomes Project 30x 0.01145; gnomAD 0.01219 and 0.01238; TOPMed 0.01261; gnomAD exomes 0.01617; ExAC 0.02018.
gnomAD v4.1: 15,829 of 1,181,678 alleles (1.3%); highest among the groups gnomAD compares: Admixed American, 3.7%; 119 homozygotes.

Submissions (3):

Labcorp Genetics (formerly Invitae), Labcorp
Classification: Benign. Last evaluated: 2026-01-27. Review status: criteria provided, single submitter. Criteria: Invitae Variant Classification Sherloc (09022015). Collection method: clinical testing. Allele origin: germline.

GeneDx
Classification: Benign. Last evaluated: 2016-05-06. Review status: criteria provided, single submitter. Criteria: GeneDx Variant Classification (06012015). Collection method: clinical testing. Allele origin: germline. Affected: yes.
Comment: This variant is considered likely benign or benign based on one or more of the following criteria: it is a conservative change, it occurs at a poorly conserved position in the protein, it is predicted to be benign by multiple in silico algorithms, and/or has population frequency not consistent with disease.

Breakthrough Genomics
Classification: Benign. Review status: criteria provided, single submitter. Criteria: ACMG Guidelines, 2015. Collection method: not provided. Allele origin: germline. Inheritance: Unknown mechanism. Affected: yes.

NM_001079855.2(GYG2):c.1024C>T (p.Arg342Cys)

Gene: GYG2 (glycogenin 2; plus strand). Cytogenetic location: Xp22.33.
Variant type: single nucleotide variant.
Coding change: c.1024C>T on transcript NM_001079855.2 (MANE Select); coding-DNA position 1024, C replaced by T.
Protein change: p.Arg342Cys; replaces arginine 342 with cysteine.
Molecular consequence: missense variant.
Genome position (GRCh38, 1-based): chrX:2,861,708, C>T. VCF-style: chrX-2861708-C-T. GRCh37 (hg19) VCF-style: chrX-2779749-C-T.
Other names: c.1024C>T, p.Arg342Cys (NM_001184702.2); c.1117C>T, p.Arg373Cys (NM_001184703.2, NM_003918.3); c.559C>T, p.Arg187Cys (NM_001184704.2); short protein forms R373C, R342C, R187C.
Identifiers: ClinVar variation 382614 (VCV000382614.10), dbSNP rs17330993, ClinGen allele CA10337227.